The following is an entry in ClinVar:

ClinVar aggregate classification (germline): Uncertain significance (1 of 4 stars; one submission).

Conditions:
Christianson syndrome (MRXSCH). Also called: SLC9A6-Related Syndromic Mental Retardation; X-linked mental retardation, syndromic, Christianson type; INTELLECTUAL DEVELOPMENTAL DISORDER, X-LINKED, SYNDROMIC, CHRISTIANSON TYPE. Identifiers: Orphanet 85278, MedGen C2678194, MONDO:0010278, OMIM 300243.

Submission:

Labcorp Genetics (formerly Invitae), Labcorp
Classification: Uncertain significance for Christianson syndrome. Last evaluated: 2024-10-22. Review status: criteria provided, single submitter. Criteria: Invitae Variant Classification Sherloc (09022015). Collection method: clinical testing. Allele origin: germline.
Comment: This sequence change replaces glycine, which is neutral and non-polar, with aspartic acid, which is acidic and polar, at codon 45 of the SLC9A6 protein (p.Gly45Asp). This variant is not present in population databases (gnomAD no frequency). This variant has not been reported in the literature in individuals affected with SLC9A6-related conditions. An algorithm developed to predict the effect of missense changes on protein structure and function (PolyPhen-2) suggests that this variant is likely to be tolerated. In summary, the available evidence is currently insufficient to determine the role of this variant in disease. Therefore, it has been classified as a Variant of Uncertain Significance.

NM_001379110.1(SLC9A6):c.-23G>A

Gene: SLC9A6 (solute carrier family 9 member A6; plus strand). Cytogenetic location: Xq26.3.
Variant type: single nucleotide variant.
Coding change: c.-23G>A on transcript NM_001379110.1 (MANE Select); 23 bases upstream of the start codon, G replaced by A.
Molecular consequence: 5 prime UTR variant. On other transcripts: missense variant (2).
Genome position (GRCh38, 1-based): chrX:135,985,636, G>A. VCF-style: chrX-135985636-G-A. GRCh37 (hg19) VCF-style: chrX-135067795-G-A.
Other names: c.-23G>A (NM_001330652.2, NM_001400909.1, NM_001400910.1 and 4 more transcripts); c.134G>A, p.Gly45Asp (NM_006359.3, NM_001042537.2); short protein forms G45D.
Identifiers: ClinVar variation 2719952 (VCV002719952.3), dbSNP rs2521064844, ClinGen allele CA414606586.